The following is an entry in ClinVar:

NM_000506.5(F2):c.1367G>A (p.Arg456Gln)

Gene: F2 (coagulation factor II, thrombin; plus strand). Cytogenetic location: 11p11.2.
Variant type: single nucleotide variant.
Coding change: c.1367G>A on transcript NM_000506.5 (MANE Select); coding-DNA position 1367, G replaced by A.
Protein change: p.Arg456Gln; replaces arginine 456 with glutamine.
Molecular consequence: missense variant.
Genome position (GRCh38, 1-based): chr11:46,728,732, G>A. VCF-style: chr11-46728732-G-A. GRCh37 (hg19) VCF-style: chr11-46750282-G-A.
Other names: short protein forms R456Q.
Identifiers: ClinVar variation 3709149 (VCV003709149.2).

ClinVar aggregate classification (germline): Uncertain significance (1 of 4 stars; one submission).

Conditions:
Congenital prothrombin deficiency. Also called: Factor II deficiency; Inherited hypoprothrombinemia; Congenital factor II deficiency; Inherited prothrombin deficiency; HYPOPROTHROMBINEMIA; Hereditary factor II deficiency disease. Identifiers: Orphanet 325, MedGen C0272317, MONDO:0013361, OMIM 613679.

gnomAD v4.1: 23 of 1,614,208 alleles (0.0014%); highest among the groups gnomAD compares: Middle Eastern, 0.016%; no homozygotes.

Submission:

Labcorp Genetics (formerly Invitae), Labcorp
Classification: Uncertain significance for Congenital prothrombin deficiency. Last evaluated: 2024-09-21. Review status: criteria provided, single submitter. Criteria: Invitae Variant Classification Sherloc (09022015). Collection method: clinical testing. Allele origin: germline.
Comment: This sequence change replaces arginine, which is basic and polar, with glutamine, which is neutral and polar, at codon 456 of the F2 protein (p.Arg456Gln). This variant is present in population databases (rs143498218, gnomAD 0.02%). This variant has not been reported in the literature in individuals affected with F2-related conditions. Invitae Evidence Modeling of protein sequence and biophysical properties (such as structural, functional, and spatial information, amino acid conservation, physicochemical variation, residue mobility, and thermodynamic stability) indicates that this missense variant is not expected to disrupt F2 protein function with a negative predictive value of 80%. In summary, the available evidence is currently insufficient to determine the role of this variant in disease. Therefore, it has been classified as a Variant of Uncertain Significance.